The following is an entry in ClinVar:

NM_025137.4(SPG11):c.5278T>C (p.Cys1760Arg)

Genes: SPG11 (SPG11 vesicle trafficking associated, spatacsin; minus strand), LOC130056971 (ATAC-STARR-seq lymphoblastoid silent region 6398; plus strand). Cytogenetic location: 15q21.1.
Variant type: single nucleotide variant.
Coding change: c.5278T>C on transcript NM_025137.4 (MANE Select); coding-DNA position 5278, T replaced by C.
Protein change: p.Cys1760Arg; replaces cysteine 1760 with arginine.
Molecular consequence: missense variant.
Genome position (GRCh38, 1-based): chr15:44,584,402, A>G on the plus strand (T>C on the coding strand, the complement: SPG11 is on the minus strand). VCF-style: chr15-44584402-A-G. GRCh37 (hg19) VCF-style: chr15-44876600-A-G.
Other names: c.5278T>C, p.Cys1760Arg (NM_001160227.2); c.5134T>C, p.Cys1712Arg (NM_001411132.1); short protein forms C1712R, C1760R.
Identifiers: ClinVar variation 3900478 (VCV003900478.1).

ClinVar aggregate classification (germline): Uncertain significance (1 of 4 stars; one submission).

Submission:

GeneDx
Classification: Uncertain significance. Last evaluated: 2024-11-21. Review status: criteria provided, single submitter. Criteria: GeneDx Variant Classification Process June 2021. Collection method: clinical testing. Allele origin: germline. Affected: yes.
Comment: Not observed at significant frequency in large population cohorts (gnomAD); In silico analysis indicates that this missense variant does not alter protein structure/function; Has not been previously published as pathogenic or benign to our knowledge